The following is an entry in ClinVar:

NM_153816.6(SNX14):c.902A>G (p.Asp301Gly)

Gene: SNX14 (sorting nexin 14; minus strand). Cytogenetic location: 6q14.3.
Variant type: single nucleotide variant.
Coding change: c.902A>G on transcript NM_153816.6 (MANE Select); coding-DNA position 902, A replaced by G.
Protein change: p.Asp301Gly; replaces aspartic acid 301 with glycine.
Molecular consequence: missense variant. On other transcripts: 5 prime UTR variant (7), non-coding transcript variant (6).
Genome position (GRCh38, 1-based): chr6:85,547,516, T>C on the plus strand (A>G on the coding strand, the complement: SNX14 is on the minus strand). VCF-style: chr6-85547516-T-C. GRCh37 (hg19) VCF-style: chr6-86257234-T-C.
Other names: c.902A>G, p.Asp301Gly (NM_001297614.3, NM_001350540.2, NM_001350541.2); c.746A>G, p.Asp249Gly (NM_001304479.2); c.965A>G, p.Asp322Gly (NM_001350532.2); c.899A>G, p.Asp300Gly (NM_001350533.2, NM_001350534.2, NM_001350535.2); c.770A>G, p.Asp257Gly (NM_001350536.2, NM_020468.6); c.767A>G, p.Asp256Gly (NM_001350537.2); c.758A>G, p.Asp253Gly (NM_001350538.2); c.743A>G, p.Asp248Gly (NM_001350539.2); and 7 more; short protein forms D153G, D201G, D204G, D205G, D248G, D249G, D253G, D256G.
Identifiers: ClinVar variation 3602236 (VCV003602236.1).

ClinVar aggregate classification (germline): Uncertain significance (1 of 4 stars; one submission).

gnomAD v4.1: 4 of 1,602,758 alleles (0.00025%); highest among the groups gnomAD compares: Non-Finnish European, 0.00034%; no homozygotes.

Submission:

GeneDx
Classification: Uncertain significance. Last evaluated: 2024-07-28. Review status: criteria provided, single submitter. Criteria: GeneDx Variant Classification Process June 2021. Collection method: clinical testing. Allele origin: germline. Affected: yes.
Comment: Not observed at significant frequency in large population cohorts (gnomAD); In silico analysis supports that this missense variant has a deleterious effect on protein structure/function; Has not been previously published as pathogenic or benign to our knowledge